The following is an entry in ClinVar:

ClinVar aggregate classification (germline): Uncertain significance (1 of 4 stars; one submission).

Submission:

GeneDx
Classification: Uncertain significance. Last evaluated: 2023-12-19. Review status: criteria provided, single submitter. Criteria: GeneDx Variant Classification Process June 2021. Collection method: clinical testing. Allele origin: germline. Affected: yes.
Comment: Not observed at significant frequency in large population cohorts (gnomAD); In silico analysis supports that this missense variant does not alter protein structure/function; Has not been previously published as pathogenic or benign to our knowledge

NM_015001.3(SPEN):c.9484T>C (p.Tyr3162His)

Gene: SPEN (spen family transcriptional repressor; plus strand). Cytogenetic location: 1p36.13.
Variant type: single nucleotide variant.
Coding change: c.9484T>C on transcript NM_015001.3 (MANE Select); coding-DNA position 9484, T replaced by C.
Protein change: p.Tyr3162His; replaces tyrosine 3162 with histidine.
Molecular consequence: missense variant.
Genome position (GRCh38, 1-based): chr1:15,935,724, T>C. VCF-style: chr1-15935724-T-C. GRCh37 (hg19) VCF-style: chr1-16262219-T-C.
Other names: short protein forms Y3162H.
Identifiers: ClinVar variation 3370092 (VCV003370092.1).